The following is an entry in ClinVar:

ClinVar aggregate classification (germline): Uncertain significance (1 of 4 stars; one submission).

Conditions:
Combined immunodeficiency due to DOCK8 deficiency (HIES2). Also called: HIES autosomal recessive; DOCK8 Deficiency; Hyper-IgE recurrent infection syndrome, autosomal recessive; HYPER-IgE RECURRENT INFECTION SYNDROME 2, AUTOSOMAL RECESSIVE; HYPER-IgE SYNDROME 2, AUTOSOMAL RECESSIVE, WITH RECURRENT INFECTIONS. Identifiers: Orphanet 217390, MedGen C4722305, MONDO:0009478, OMIM 243700.

Allele frequency attached by ClinVar (database versions not stated): gnomAD 0.00001; gnomAD exomes 0.00001.
gnomAD v4.1: 7 of 1,613,712 alleles (0.00043%); highest among the groups gnomAD compares: Non-Finnish European, 0.00059%; no homozygotes.

Submission:

Labcorp Genetics (formerly Invitae), Labcorp
Classification: Uncertain significance for Combined immunodeficiency due to DOCK8 deficiency. Last evaluated: 2024-11-05. Review status: criteria provided, single submitter. Criteria: Invitae Variant Classification Sherloc (09022015). Collection method: clinical testing. Allele origin: germline.
Comment: This sequence change replaces arginine, which is basic and polar, with serine, which is neutral and polar, at codon 1572 of the DOCK8 protein (p.Arg1572Ser). This variant is present in population databases (no rsID available, gnomAD 0.003%). This variant has not been reported in the literature in individuals affected with DOCK8-related conditions. ClinVar contains an entry for this variant (Variation ID: 964674). Invitae Evidence Modeling of protein sequence and biophysical properties (such as structural, functional, and spatial information, amino acid conservation, physicochemical variation, residue mobility, and thermodynamic stability) indicates that this missense variant is expected to disrupt DOCK8 protein function with a positive predictive value of 80%. In summary, the available evidence is currently insufficient to determine the role of this variant in disease. Therefore, it has been classified as a Variant of Uncertain Significance.

NM_203447.4(DOCK8):c.4716A>T (p.Arg1572Ser)

Gene: DOCK8 (dedicator of cytokinesis 8; plus strand). Cytogenetic location: 9p24.3.
Variant type: single nucleotide variant.
Coding change: c.4716A>T on transcript NM_203447.4 (MANE Select); coding-DNA position 4716, A replaced by T.
Protein change: p.Arg1572Ser; replaces arginine 1572 with serine.
Molecular consequence: missense variant.
Genome position (GRCh38, 1-based): chr9:432,255, A>T. VCF-style: chr9-432255-A-T. GRCh37 (hg19) VCF-style: chr9-432255-A-T.
Other names: c.4416A>T, p.Arg1472Ser (NM_001190458.2); c.4512A>T, p.Arg1504Ser (NM_001193536.2); short protein forms R1504S, R1472S, R1572S.
Identifiers: ClinVar variation 964674 (VCV000964674.8), dbSNP rs866410027, ClinGen allele CA372766772.
Genomic context (GRCh38, chr9:432,255, plus strand): 5'-CATGTCCCTGGCATCTTTGGTGGGAAGAGCACCAGACTTTAATGAAGAGCACCTGAGAAG[A>T]TCCTTGAGGACAATTTTGGCCTATTCAGAAGAGGACACAGCCATGCAGATGACTCCTTTT-3'
Protein context (NP_982272.2, residues 1562-1582): APDFNEEHLR[Arg1572Ser]SLRTILAYSE